The following is an entry in ClinVar:

NM_001035.3(RYR2):c.13720A>G (p.Ile4574Val)

Gene: RYR2 (ryanodine receptor 2; plus strand). Cytogenetic location: 1q43.
Variant type: single nucleotide variant.
Coding change: c.13720A>G on transcript NM_001035.3 (MANE Select); coding-DNA position 13720, A replaced by G.
Protein change: p.Ile4574Val; replaces isoleucine 4574 with valine.
Molecular consequence: missense variant.
Genome position (GRCh38, 1-based): chr1:237,792,261, A>G. VCF-style: chr1-237792261-A-G. GRCh37 (hg19) VCF-style: chr1-237955561-A-G.
Other names: c.13720A>G (NM_001035.2); short protein forms I4574V.
Identifiers: ClinVar variation 3072271 (VCV003072271.2), dbSNP rs1573968201, ClinGen allele CA345417594.

ClinVar aggregate classification (germline): Uncertain significance. Review status: criteria provided, multiple submitters, no conflicts (2 of 4 stars). 2 submissions from 2 submitters: Uncertain significance (2). Last evaluated 2025-04-21.

Conditions:
Catecholaminergic polymorphic ventricular tachycardia (CVPT). Also called: Catecholamine-induced polymorphic ventricular tachycardia. Identifiers: Orphanet 3286, MedGen C5574922, MONDO:0017990.

gnomAD v4.1: 1 of 1,613,782 alleles (0.000062%); no homozygotes.

Submissions (2):

GeneDx
Classification: Uncertain significance. Last evaluated: 2025-04-21. Review status: criteria provided, single submitter. Criteria: GeneDx Variant Classification Process June 2021. Collection method: clinical testing. Allele origin: germline. Affected: yes.
Comment: Not observed at significant frequency in large population cohorts (gnomAD); In silico analysis indicates that this missense variant does not alter protein structure/function; Has not been previously published as pathogenic or benign to our knowledge; Located in one of the three hot-spot regions of the RYR2 gene, where the majority of pathogenic missense variants occur (PMID: 19926015); This variant is associated with the following publications: (PMID: 19926015)

All of Us Research Program, National Institutes of Health
Classification: Uncertain significance for Catecholaminergic polymorphic ventricular tachycardia. Last evaluated: 2023-06-26. Review status: criteria provided, single submitter. Criteria: ACMG Guidelines, 2015. Collection method: clinical testing. Allele origin: germline. Inheritance: Autosomal dominant inheritance. Observed: 1 variant allele, 1 heterozygote.
Comment: This missense variant replaces isoleucine with valine at codon 4574 of the RYR2 protein. Computational prediction suggests that this variant may not impact protein structure and function (internally defined REVEL score threshold <= 0.5, PMID: 27666373). To our knowledge, functional studies have not been reported for this variant. This variant has not been reported in individuals affected with RYR2-related disorders in the literature. This variant has not been identified in the general population by the Genome Aggregation Database (gnomAD). The available evidence is insufficient to determine the role of this variant in disease conclusively. Therefore, this variant is classified as a Variant of Uncertain Significance.

This study involves interpretation of variants in research participants for the purpose of population health screening. Participant phenotype was not available at the time of variant classification. Additional details can be found in publication PMID: 35346344, PMCID: PMC8962531